The following is an entry in ClinVar:

NM_138615.3(DHX30):c.3028GAG[3] (p.Glu1013del)

Gene: DHX30 (DExH-box helicase 30; plus strand). Cytogenetic location: 3p21.31.
Variant type: Microsatellite.
Coding change: c.3028GAG[3] on transcript NM_138615.3 (MANE Select); three copies in a row of the 3-base unit GAG starting at c.3028; the reference has four copies in a row; one copy, 3 bases deleted.
Protein change: p.Glu1013del; deletes glutamic acid 1013.
Genome position (GRCh38, 1-based): chr3:47,849,299-47,849,301, GAG deleted; deleting any 3 consecutive bases within chr3:47,849,290-47,849,301 gives the same sequence; the position shown is the placement nearest the transcript's 3' end. VCF-style (leftmost placement, unchanged base first): chr3-47849289-TGAG-T. GRCh37 (hg19) VCF-style: chr3-47890779-TGAG-T.
Other names: c.2944GAG[3], p.Glu985del (NM_001330990.2); c.2911GAG[3], p.Glu974del (NM_014966.4); short protein forms E1013del, E974del, E985del.
Identifiers: ClinVar variation 3767593 (VCV003767593.1).

ClinVar aggregate classification (germline): Likely pathogenic (1 of 4 stars; one submission).

Submission:

GeneDx
Classification: Likely pathogenic. Last evaluated: 2024-08-29. Review status: criteria provided, single submitter. Criteria: GeneDx Variant Classification Process June 2021. Collection method: clinical testing. Allele origin: germline. Affected: yes.
Comment: Not observed at significant frequency in large population cohorts (gnomAD); In-frame deletion of 1 amino acid in a non-repeat region; In silico analysis supports a deleterious effect on protein structure/function; Has not been previously published as pathogenic or benign to our knowledge